The following is an entry in ClinVar:

ClinVar aggregate classification (germline): Uncertain significance. Review status: criteria provided, multiple submitters, no conflicts (2 of 4 stars). 4 submissions from 4 submitters: Uncertain significance (4). Last evaluated 2024-05-07.

Conditions:
Inborn genetic diseases. Identifiers: MedGen C0950123, MeSH D030342.

Allele frequency attached by ClinVar (database versions not stated): gnomAD exomes 0.00002 and 0.00003; TOPMed 0.00002; gnomAD 0.00003 and 0.00004; ExAC 0.00004; ESP Exome Variant Server 0.00008.
gnomAD v4.1: 35 of 1,610,398 alleles (0.0022%); highest among the groups gnomAD compares: Middle Eastern, 0.016%; no homozygotes.

Submissions (4):

Blueprint Genetics
Classification: Uncertain significance. Last evaluated: 2024-05-07. Review status: criteria provided, single submitter. Criteria: ACMG Guidelines, 2015. Collection method: clinical testing. Allele origin: germline.

Labcorp Genetics (formerly Invitae), Labcorp
Classification: Uncertain significance. Last evaluated: 2022-07-19. Review status: criteria provided, single submitter. Criteria: Invitae Variant Classification Sherloc (09022015). Collection method: clinical testing. Allele origin: germline.
Comment: In summary, the available evidence is currently insufficient to determine the role of this variant in disease. Therefore, it has been classified as a Variant of Uncertain Significance. Algorithms developed to predict the effect of missense changes on protein structure and function are either unavailable or do not agree on the potential impact of this missense change (SIFT: "Deleterious"; PolyPhen-2: "Probably Damaging"; Align-GVGD: "Class C0"). ClinVar contains an entry for this variant (Variation ID: 1495125). This variant has not been reported in the literature in individuals affected with HSPG2-related conditions. This variant is present in population databases (rs139182361, gnomAD 0.01%). This sequence change replaces arginine, which is basic and polar, with cysteine, which is neutral and slightly polar, at codon 3916 of the HSPG2 protein (p.Arg3916Cys).

Ambry Genetics
Classification: Uncertain significance for Inborn genetic diseases. Last evaluated: 2021-06-04. Review status: criteria provided, single submitter. Criteria: Ambry Variant Classification Scheme 2023. Collection method: clinical testing. Allele origin: germline.

Revvity Omics, Revvity
Classification: Uncertain significance. Last evaluated: 2019-07-29. Review status: criteria provided, single submitter. Criteria: ACMG Guidelines, 2015. Collection method: clinical testing. Allele origin: germline.

NM_005529.7(HSPG2):c.11746C>T (p.Arg3916Cys)

Gene: HSPG2 (heparan sulfate proteoglycan 2; minus strand). Cytogenetic location: 1p36.12.
Variant type: single nucleotide variant.
Coding change: c.11746C>T on transcript NM_005529.7 (MANE Select); coding-DNA position 11746, C replaced by T.
Protein change: p.Arg3916Cys; replaces arginine 3916 with cysteine.
Molecular consequence: missense variant.
Genome position (GRCh38, 1-based): chr1:21,830,017, G>A on the plus strand (C>T on the coding strand, the complement: HSPG2 is on the minus strand). VCF-style: chr1-21830017-G-A. GRCh37 (hg19) VCF-style: chr1-22156510-G-A.
Other names: c.11749C>T, p.Arg3917Cys (NM_001291860.2); c.11746C>T (NM_005529.5); short protein forms R3916C, R3917C.
Identifiers: ClinVar variation 1495125 (VCV001495125.11), dbSNP rs139182361, ClinGen allele CA669651.